The following is an entry in ClinVar:

ClinVar aggregate classification (germline): Likely pathogenic. Review status: criteria provided, multiple submitters, no conflicts (2 of 4 stars). 2 submissions from 2 submitters: Likely pathogenic (2). Last evaluated 2025-01-06.

Conditions:
Long chain 3-hydroxyacyl-CoA dehydrogenase deficiency. Also called: LCHAD Deficiency; Deficiency of long-chain 3-hydroxyacyl-coenzyme A dehydrogenase. Identifiers: Orphanet 5, MedGen C3711645, MONDO:0012173, OMIM 609016.
Deficiency of hydroxymethylglutaryl-CoA lyase (HMGCLD). Also called: Defect in leucine metabolism; 3-hydroxy-3-methylglutaric aciduria; HMG-CoA LYASE DEFICIENCY; HMGCL DEFICIENCY; HYDROXYMETHYLGLUTARIC ACIDURIA. Identifiers: Orphanet 20, MedGen C1533587, MONDO:0009520, OMIM 246450.

Allele frequency attached by ClinVar (database versions not stated): gnomAD 0.00001; gnomAD exomes 0.00001.
gnomAD v4.1: 4 of 1,613,798 alleles (0.00025%); highest among the groups gnomAD compares: East Asian, 0.0022%; no homozygotes.

Submissions (2):

Natera, Inc.
Classification: Likely pathogenic for Deficiency of long-chain 3-hydroxyacyl-coenzyme A dehydrogenase. Last evaluated: 2025-01-06. Review status: criteria provided, single submitter. Criteria: Natera Variant Classification Schema (03/2026). Collection method: clinical testing. Allele origin: germline.
Comment: The c.125A>G variant in HMGCL is a missense variant predicted to cause substitution of aspartic acid to glycine at amino acid 42. This variant is rare in the general population with a frequency below the threshold expected for the associated phenotype(s). This variant has been observed in one or more individuals affected with the associated recessive disease, as either homozygous or compound heterozygous with a second variant (PMID: 9463337, 19177531). This variant has been identified in one or more affected individual with a phenotype highly consistent with the associated gene (PMID: 9463337, 19177531). A different variant at the same position has been determined to be Pathogenic or Likely Pathogenic. Computational prediction algorithms indicate this variant is likely to affect gene or protein function. Given the available evidence, this variant is classified as Likely Pathogenic.

Labcorp Genetics (formerly Invitae), Labcorp
Classification: Likely pathogenic for Deficiency of hydroxymethylglutaryl-CoA lyase. Last evaluated: 2023-08-04. Review status: criteria provided, single submitter. Criteria: Invitae Variant Classification Sherloc (09022015). Collection method: clinical testing. Allele origin: germline.
Comment: In summary, the currently available evidence indicates that the variant is pathogenic, but additional data are needed to prove that conclusively. Therefore, this variant has been classified as Likely Pathogenic. This variant disrupts the p.Asp42 amino acid residue in HMGCL. Other variant(s) that disrupt this residue have been observed in individuals with HMGCL-related conditions (PMID: 9463337, 18080783), which suggests that this may be a clinically significant amino acid residue. Experimental studies have shown that this missense change affects HMGCL function (PMID: 9463337). Advanced modeling of protein sequence and biophysical properties (such as structural, functional, and spatial information, amino acid conservation, physicochemical variation, residue mobility, and thermodynamic stability) performed at Invitae indicates that this missense variant is expected to disrupt HMGCL protein function. This missense change has been observed in individuals with HMG-CoA lyase deficiency (PMID: 9463337, 19177531). This variant is present in population databases (no rsID available, gnomAD 0.0009%). This sequence change replaces aspartic acid, which is acidic and polar, with glycine, which is neutral and non-polar, at codon 42 of the HMGCL protein (p.Asp42Gly).

Literature cited by the submitters: PubMed 9463337 (cited by Natera, Inc. and Labcorp Genetics (formerly Invitae), Labcorp); PubMed 19177531 (cited by Natera, Inc. and Labcorp Genetics (formerly Invitae), Labcorp); PubMed 18080783 (cited by Labcorp Genetics (formerly Invitae), Labcorp).

NM_000191.3(HMGCL):c.125A>G (p.Asp42Gly)

Gene: HMGCL (3-hydroxy-3-methylglutaryl-CoA lyase; minus strand). Cytogenetic location: 1p36.11.
Variant type: single nucleotide variant.
Coding change: c.125A>G on transcript NM_000191.3 (MANE Select); coding-DNA position 125, A replaced by G.
Protein change: p.Asp42Gly; replaces aspartic acid 42 with glycine.
Molecular consequence: missense variant.
Genome position (GRCh38, 1-based): chr1:23,820,529, T>C on the plus strand (A>G on the coding strand, the complement: HMGCL is on the minus strand). VCF-style: chr1-23820529-T-C. GRCh37 (hg19) VCF-style: chr1-24147019-T-C.
Other names: c.125A>G, p.Asp42Gly (NM_001166059.2); c.125A>G (NM_000191.2); short protein forms D42G.
Identifiers: ClinVar variation 2733864 (VCV002733864.4), dbSNP rs1467902610, ClinGen allele CA339030310.
Genomic context (GRCh38, chr1:23,820,529, plus strand): 5'-TGCTTGAAAAAACTGTTTTTTTGGCTCATTTCCAACTTTACCTTTTCATTTTGTAGTCCA[T>C]CTCGGGGACCAACTTCCACAATTTTCACCCGCTTTGGTAAAGTGCCCATAGATGAGGTGC-3'
Protein context (NP_000182.2, residues 32-52): RVKIVEVGPR[Asp42Gly]GLQNEKNIVS